The following is an entry in ClinVar:

ClinVar aggregate classification (germline): Uncertain significance. Review status: criteria provided, multiple submitters, no conflicts (2 of 4 stars). 4 submissions from 4 submitters: Uncertain significance (3). 1 of the submissions does not count toward it. Last evaluated 2024-11-21.

Conditions:
Inborn genetic diseases. Identifiers: MedGen C0950123, MeSH D030342.
MYO1E-related disorder. Also called: MYO1E-related condition.

Allele frequency attached by ClinVar (database versions not stated): ExAC 0.00077; gnomAD exomes 0.00094 and 0.00198; gnomAD 0.00119 and 0.00131; TOPMed 0.00137; ESP Exome Variant Server 0.00170.
gnomAD v4.1: 3,026 of 1,613,728 alleles (0.19%); highest among the groups gnomAD compares: Non-Finnish European, 0.24%; 6 homozygotes.

Submissions (4):

Blueprint Genetics
Classification: Uncertain significance. Last evaluated: 2024-11-21. Review status: criteria provided, single submitter. Criteria: ACMG Guidelines, 2015. Collection method: clinical testing. Allele origin: germline.

Labcorp Genetics (formerly Invitae), Labcorp
Classification: Uncertain significance. Last evaluated: 2024-01-18. Review status: criteria provided, single submitter. Criteria: Invitae Variant Classification Sherloc (09022015). Collection method: clinical testing. Allele origin: germline.
Comment: This sequence change replaces aspartic acid, which is acidic and polar, with glutamic acid, which is acidic and polar, at codon 571 of the MYO1E protein (p.Asp571Glu). This variant is present in population databases (rs143249432, gnomAD 0.2%), and has an allele count higher than expected for a pathogenic variant. This variant has not been reported in the literature in individuals affected with MYO1E-related conditions. ClinVar contains an entry for this variant (Variation ID: 1001311). Advanced modeling of protein sequence and biophysical properties (such as structural, functional, and spatial information, amino acid conservation, physicochemical variation, residue mobility, and thermodynamic stability) performed at Invitae indicates that this missense variant is not expected to disrupt MYO1E protein function with a negative predictive value of 80%. In summary, the available evidence is currently insufficient to determine the role of this variant in disease. Therefore, it has been classified as a Variant of Uncertain Significance.

Ambry Genetics
Classification: Uncertain significance for Inborn genetic diseases. Last evaluated: 2021-06-18. Review status: criteria provided, single submitter. Criteria: Ambry Variant Classification Scheme 2023. Collection method: clinical testing. Allele origin: germline.

PreventionGenetics, part of Exact Sciences
Classification: Likely benign for MYO1E-related condition. Last evaluated: 2022-05-02. Review status: no assertion criteria provided. Collection method: clinical testing. Allele origin: germline. Not counted in ClinVar's aggregate classification.
Comment: This variant is classified as likely benign based on ACMG/AMP sequence variant interpretation guidelines (Richards et al. 2015 PMID: 25741868, with internal and published modifications).

NM_004998.4(MYO1E):c.1713C>G (p.Asp571Glu)

Gene: MYO1E (myosin IE; minus strand). Cytogenetic location: 15q22.2.
Variant type: single nucleotide variant.
Coding change: c.1713C>G on transcript NM_004998.4 (MANE Select); coding-DNA position 1713, C replaced by G.
Protein change: p.Asp571Glu; replaces aspartic acid 571 with glutamic acid.
Molecular consequence: missense variant.
Genome position (GRCh38, 1-based): chr15:59,195,553, G>C on the plus strand (C>G on the coding strand, the complement: MYO1E is on the minus strand). VCF-style: chr15-59195553-G-C. GRCh37 (hg19) VCF-style: chr15-59487752-G-C.
Other names: c.1713C>G (NM_004998.2, NM_004998.3); short protein forms D571E.
Identifiers: ClinVar variation 1001311 (VCV001001311.8), dbSNP rs143249432, ClinGen allele CA7589515.